The following is an entry in ClinVar:

NM_173495.3(PTCHD1):c.714A>T (p.Arg238Ser)

Gene: PTCHD1 (patched domain containing 1; plus strand). Cytogenetic location: Xp22.11.
Variant type: single nucleotide variant.
Coding change: c.714A>T on transcript NM_173495.3 (MANE Select); coding-DNA position 714, A replaced by T.
Protein change: p.Arg238Ser; replaces arginine 238 with serine.
Molecular consequence: missense variant.
Genome position (GRCh38, 1-based): chrX:23,379,953, A>T. VCF-style: chrX-23379953-A-T. GRCh37 (hg19) VCF-style: chrX-23398070-A-T.
Other names: short protein forms R238S.
Identifiers: ClinVar variation 872227 (VCV000872227.43), dbSNP rs765424375, ClinGen allele CA10369059.

ClinVar aggregate classification (germline): Uncertain significance. Review status: criteria provided, multiple submitters, no conflicts (2 of 4 stars). 2 submissions from 2 submitters: Uncertain significance (2). Last evaluated 2020-08-07.

Conditions:
Inborn genetic diseases. Identifiers: MedGen C0950123, MeSH D030342.

Allele frequency attached by ClinVar (database versions not stated): ExAC 0.00001; gnomAD exomes 0.00001 and 0.00002; TOPMed 0.00001; gnomAD 0.00002.
gnomAD v4.1: 15 of 1,210,172 alleles (0.0012%); highest among the groups gnomAD compares: South Asian, 0.0035%; no homozygotes.

Submissions (2):

Ambry Genetics
Classification: Uncertain significance for Inborn genetic diseases. Last evaluated: 2020-08-07. Review status: criteria provided, single submitter. Criteria: Ambry Variant Classification Scheme 2023. Collection method: clinical testing. Allele origin: germline.
Comment: The p.R238S variant (also known as c.714A>T), located in coding exon 2 of the PTCHD1 gene, results from an A to T substitution at nucleotide position 714. The arginine at codon 238 is replaced by serine, an amino acid with dissimilar properties. Based on data from gnomAD, the T allele has an overall frequency of 0.002% (3/183529) total alleles studied, including two hemizygotes. The highest observed frequency was 0.04% (3/7490) of Ashkenazi Jewish alleles. This amino acid position is poorly conserved in available vertebrate species. In addition, this alteration is predicted to be tolerated by in silico analysis. Since supporting evidence is limited at this time, the clinical significance of this alteration remains unclear.

CeGaT Center for Human Genetics Tuebingen
Classification: Uncertain significance. Last evaluated: 2019-11-01. Review status: criteria provided, single submitter. Criteria: CeGaT Center For Human Genetics Tuebingen Variant Classification Criteria Version 2. Collection method: clinical testing. Allele origin: germline. Affected: yes. Observed: 1 variant allele.